The following is an entry in ClinVar:

NM_000137.4(FAH):c.706+9T>C

Gene: FAH (fumarylacetoacetate hydrolase; plus strand). Cytogenetic location: 15q25.1.
Variant type: single nucleotide variant.
Coding change: c.706+9T>C on transcript NM_000137.4 (MANE Select); 9 bases into the intron after coding-DNA position 706, T replaced by C.
Molecular consequence: intron variant.
Genome position (GRCh38, 1-based): chr15:80,172,257, T>C. VCF-style: chr15-80172257-T-C. GRCh37 (hg19) VCF-style: chr15-80464599-T-C.
Other names: p.?; c.706+9T>C (NM_001374377.1, NM_001374380.1).
Identifiers: ClinVar variation 386297 (VCV000386297.16), dbSNP rs368042270, ClinGen allele CA7691306.

ClinVar aggregate classification (germline): Likely benign. Review status: criteria provided, multiple submitters, no conflicts (2 of 4 stars). 5 submissions from 5 submitters: Likely benign (3). 2 of the submissions do not count toward it. Last evaluated 2025-12-30.

Conditions:
FAH-related disorder. Also called: FAH-related condition.
Tyrosinemia type I (TYRSN1). Also called: FAH DEFICIENCY; HEPATORENAL TYROSINEMIA; Tyrosinemia type 1; Fumarylacetoacetase deficiency; Deficiency of fumarylacetoacetase. Identifiers: Orphanet 882, MedGen C0268490, MONDO:0010161, OMIM 276700. Disease mechanism: loss of function.

Allele frequency attached by ClinVar (database versions not stated): ExAC 0.00009; gnomAD exomes 0.00009; 1000 Genomes Project 30x 0.00031; gnomAD 0.00038 and 0.00041; 1000 Genomes Project 0.00040; ESP Exome Variant Server 0.00046; TOPMed 0.00048.
gnomAD v4.1: 110 of 1,566,530 alleles (0.007%); highest among the groups gnomAD compares: African/African-American, 0.14%; no homozygotes.

Submissions (5):

Labcorp Genetics (formerly Invitae), Labcorp
Classification: Likely benign for Tyrosinemia type I. Last evaluated: 2025-12-30. Review status: criteria provided, single submitter. Criteria: Invitae Variant Classification Sherloc (09022015). Collection method: clinical testing. Allele origin: germline.

Mayo Clinic Laboratories, Mayo Clinic
Classification: Likely benign. Last evaluated: 2025-09-19. Review status: criteria provided, single submitter. Criteria: ACMG Guidelines, 2015. Collection method: clinical testing. Allele origin: germline. Observed: 1 variant allele.
Comment: BS1, BP7

GeneDx
Classification: Likely benign. Last evaluated: 2016-06-09. Review status: criteria provided, single submitter. Criteria: GeneDx Variant Classification (06012015). Collection method: clinical testing. Allele origin: germline. Affected: yes.
Comment: This variant is considered likely benign or benign based on one or more of the following criteria: it is a conservative change, it occurs at a poorly conserved position in the protein, it is predicted to be benign by multiple in silico algorithms, and/or has population frequency not consistent with disease.

PreventionGenetics, part of Exact Sciences
Classification: Likely benign for FAH-related condition. Last evaluated: 2022-08-17. Review status: no assertion criteria provided. Collection method: clinical testing. Allele origin: germline. Not counted in ClinVar's aggregate classification.
Comment: This variant is classified as likely benign based on ACMG/AMP sequence variant interpretation guidelines (Richards et al. 2015 PMID: 25741868, with internal and published modifications).

Natera, Inc.
Classification: Likely benign for Tyrosinemia type I. Last evaluated: 2020-09-16. Review status: no assertion criteria provided. Collection method: clinical testing. Allele origin: germline. Not counted in ClinVar's aggregate classification.